The following is an entry in ClinVar:

NM_001012614.2(CTBP1):c.162+192C>T

Gene: CTBP1 (C-terminal binding protein 1; minus strand). Cytogenetic location: 4p16.3.
Variant type: single nucleotide variant.
Coding change: c.162+192C>T on transcript NM_001012614.2 (MANE Select); 192 bases into the intron after coding-DNA position 162, C replaced by T.
Molecular consequence: intron variant.
Genome position (GRCh38, 1-based): chr4:1,237,991, G>A on the plus strand (C>T on the coding strand, the complement: CTBP1 is on the minus strand). VCF-style: chr4-1237991-G-A. GRCh37 (hg19) VCF-style: chr4-1231779-G-A.
Other names: c.162+192C>T (NM_001377192.1, NM_001377189.1, NM_001377193.1 and 4 more transcripts); c.195+192C>T (NM_001328.3, NM_001377186.1).
Identifiers: ClinVar variation 2654555 (VCV002654555.24), dbSNP rs372275288, ClinGen allele CA2804516.

ClinVar aggregate classification (germline): Likely benign (1 of 4 stars; one submission).

Allele frequency attached by ClinVar (database versions not stated): 1000 Genomes Project 0.00040.
gnomAD v4.1: 259 of 764,630 alleles (0.034%); highest among the groups gnomAD compares: Non-Finnish European, 0.048%; no homozygotes.

Submission:

CeGaT Center for Human Genetics Tuebingen
Classification: Likely benign. Last evaluated: 2025-04-01. Review status: criteria provided, single submitter. Criteria: CeGaT Center For Human Genetics Tuebingen Variant Classification Criteria Version 2. Collection method: clinical testing. Allele origin: germline. Affected: yes. Observed: 4 variant alleles.
Comment: CTBP1: BP4, BP7